The following is an entry in ClinVar:

ClinVar aggregate classification (germline): Uncertain significance (1 of 4 stars; one submission).

Conditions:
Myopathy, proximal, and ophthalmoplegia (CMYO6). Also called: MYOPATHY WITH CONGENITAL JOINT CONTRACTURES, OPHTHALMOPLEGIA, AND RIMMED VACUOLES; INCLUSION BODY MYOPATHY 3, AUTOSOMAL DOMINANT; CONGENITAL MYOPATHY 6 WITH OPHTHALMOPLEGIA. Identifiers: Orphanet 363677, Orphanet 79091, MedGen C1854106, MONDO:0011577, OMIM 605637.

Allele frequency attached by ClinVar (database versions not stated): gnomAD exomes below 0.00001; ExAC 0.00001; gnomAD 0.00001; TOPMed 0.00001.
gnomAD v4.1: 1 of 1,614,074 alleles (0.000062%); highest among the groups gnomAD compares: African/African-American, 0.0013%; no homozygotes.

Submission:

Labcorp Genetics (formerly Invitae), Labcorp
Classification: Uncertain significance for Myopathy, proximal, and ophthalmoplegia. Last evaluated: 2022-04-03. Review status: criteria provided, single submitter. Criteria: Invitae Variant Classification Sherloc (09022015). Collection method: clinical testing. Allele origin: germline.
Comment: Algorithms developed to predict the effect of sequence changes on RNA splicing suggest that this variant may create or strengthen a splice site. In summary, the available evidence is currently insufficient to determine the role of this variant in disease. Therefore, it has been classified as a Variant of Uncertain Significance. Algorithms developed to predict the effect of missense changes on protein structure and function (SIFT, PolyPhen-2, Align-GVGD) all suggest that this variant is likely to be disruptive. ClinVar contains an entry for this variant (Variation ID: 647995). This variant has not been reported in the literature in individuals affected with MYH2-related conditions. This variant is present in population databases (rs764501722, gnomAD 0.007%). This sequence change replaces histidine, which is basic and polar, with tyrosine, which is neutral and polar, at codon 1202 of the MYH2 protein (p.His1202Tyr).

NM_017534.6(MYH2):c.3604C>T (p.His1202Tyr)

Genes: MYH2 (myosin heavy chain 2; minus strand), MYHAS (myosin heavy chain gene cluster antisense RNA; plus strand). Cytogenetic location: 17p13.1.
Variant type: single nucleotide variant.
Coding change: c.3604C>T on transcript NM_017534.6 (MANE Select); coding-DNA position 3604, C replaced by T.
Protein change: p.His1202Tyr; replaces histidine 1202 with tyrosine.
Molecular consequence: missense variant.
Genome position (GRCh38, 1-based): chr17:10,528,830, G>A on the plus strand (C>T on the coding strand, the complement: MYH2 is on the minus strand). VCF-style: chr17-10528830-G-A. GRCh37 (hg19) VCF-style: chr17-10432147-G-A.
Other names: c.3604C>T, p.His1202Tyr (NM_001100112.2); short protein forms H1202Y.
Identifiers: ClinVar variation 647995 (VCV000647995.6), dbSNP rs764501722, ClinGen allele CA8390857.
Genomic context (GRCh38, chr17:10,528,830, plus strand): 5'-TCTGCTTCACTCGCTGCAGGTTGTCAATCTGCTCCCCAAGCTCGGCCACACTATCTGCAT[G>A]CTTCTTCCTCAGGGTGGCCGCTGTGGCTTCATGCTGTAGGGTGGCCTCCTCCAGGTCCCT-3'
Protein context (NP_060004.3, residues 1192-1212): EATAATLRKK[His1202Tyr]ADSVAELGEQ